The following is an entry in ClinVar:

NM_001135146.2(SLC39A8):c.389G>T (p.Gly130Val)

Gene: SLC39A8 (solute carrier family 39 member 8; minus strand). Cytogenetic location: 4q24.
Variant type: single nucleotide variant.
Coding change: c.389G>T on transcript NM_001135146.2 (MANE Select); coding-DNA position 389, G replaced by T.
Protein change: p.Gly130Val; replaces glycine 130 with valine.
Molecular consequence: missense variant.
Genome position (GRCh38, 1-based): chr4:102,307,599, C>A on the plus strand (G>T on the coding strand, the complement: SLC39A8 is on the minus strand). VCF-style: chr4-102307599-C-A. GRCh37 (hg19) VCF-style: chr4-103228756-C-A.
Other names: c.389G>T, p.Gly130Val (NM_001135147.1, NM_022154.5); c.188G>T, p.Gly63Val (NM_001135148.2); short protein forms G130V, G63V.
Identifiers: ClinVar variation 2122054 (VCV002122054.4), dbSNP rs2476454981, ClinGen allele CA357754427.
Genomic context (GRCh38, chr4:102,307,599, plus strand): 5'-GTCAAAATCAATCCGAGGAGAGATGCCAGATTAATAATCGTCACTGACAGGAATCCATAT[C>A]CCCAAACTGTGGGTCAGAGGGAAAAGAGAGTAGAAATTAATCAGAGCAAGGAACCAAATG-3'
Protein context (NP_001128618.1, residues 120-140): KTRPSHSEVW[Gly130Val]YGFLSVTIIN

ClinVar aggregate classification (germline): Uncertain significance (1 of 4 stars; one submission).

Submission:

Labcorp Genetics (formerly Invitae), Labcorp
Classification: Uncertain significance. Last evaluated: 2022-04-06. Review status: criteria provided, single submitter. Criteria: Invitae Variant Classification Sherloc (09022015). Collection method: clinical testing. Allele origin: germline.
Comment: This sequence change replaces glycine, which is neutral and non-polar, with valine, which is neutral and non-polar, at codon 130 of the SLC39A8 protein (p.Gly130Val). This variant is not present in population databases (gnomAD no frequency). This variant has not been reported in the literature in individuals affected with SLC39A8-related conditions. Algorithms developed to predict the effect of missense changes on protein structure and function are either unavailable or do not agree on the potential impact of this missense change (SIFT: "Deleterious"; PolyPhen-2: "Probably Damaging"; Align-GVGD: "Class C0"). In summary, the available evidence is currently insufficient to determine the role of this variant in disease. Therefore, it has been classified as a Variant of Uncertain Significance.